The following is an entry in ClinVar:

NM_001242896.3(DEPDC5):c.2512C>T (p.Arg838Ter)

Gene: DEPDC5 (DEP domain containing 5, GATOR1 subcomplex subunit; plus strand). Cytogenetic location: 22q12.3.
Variant type: single nucleotide variant.
Coding change: c.2512C>T on transcript NM_001242896.3 (MANE Select); coding-DNA position 2512, C replaced by T.
Protein change: p.Arg838Ter; replaces arginine 838 with a stop codon.
Molecular consequence: nonsense. On other transcripts: non-coding transcript variant (5).
Genome position (GRCh38, 1-based): chr22:31,838,842, C>T. VCF-style: chr22-31838842-C-T. GRCh37 (hg19) VCF-style: chr22-32234828-C-T.
Other names: c.2485C>T, p.Arg829Ter (NM_001136029.4, NM_001369903.1, NM_014662.6); c.2278C>T, p.Arg760Ter (NM_001242897.2, NM_001363854.2, NM_001364319.2); c.2512C>T, p.Arg838Ter (NM_001363852.2, NM_001364318.2, NM_001364320.2); c.2428C>T, p.Arg810Ter (NM_001369901.1, NM_001369902.1); c.2485C>T (NM_014662.4); short protein forms R760*, R838*, R810*, R829*.
Identifiers: ClinVar variation 590901 (VCV000590901.58), dbSNP rs1569067939, ClinGen allele CA411287759.
Genomic context (GRCh38, chr22:31,838,842, plus strand): 5'-AAGACACAGAAACCCAATCCTGCTGTCCCGCCCCCGCTGAGCAGTAGCCCACTCTATAGC[C>T]GAGGTGAGTTTTTCTCCTTGGATTTCTATTTTTTTCTCTTCTACTGTGTATGTGGAAGTG-3'

ClinVar aggregate classification (germline): Pathogenic. Review status: criteria provided, multiple submitters, no conflicts (2 of 4 stars). 14 submissions from 14 submitters: Pathogenic (12). 2 of the submissions do not count toward it. Last evaluated 2026-01-05.

Conditions:
Familial focal epilepsy with variable foci (FPEVF). Identifiers: Orphanet 98820, MedGen C1858477, MONDO:0020310.
DEPDC5-related disorder. Also called: DEPDC5-related condition; DEPDC5-related related disorder.
Inborn genetic diseases. Identifiers: MedGen C0950123, MeSH D030342.
Epilepsy, familial focal, with variable foci 1 (FFEVF1). Also called: DEPDC5-Related Epilepsy. Identifiers: MedGen C4551983, MONDO:0024556, OMIM 604364.

Allele frequency attached by ClinVar (database versions not stated): TOPMed below 0.00001.

Submissions (14):

Labcorp Genetics (formerly Invitae), Labcorp
Classification: Pathogenic for Familial focal epilepsy with variable foci. Last evaluated: 2026-01-05. Review status: criteria provided, single submitter. Criteria: Invitae Variant Classification Sherloc (09022015). Collection method: clinical testing. Allele origin: germline.
Comment: This sequence change creates a premature translational stop signal (p.Arg838*) in the DEPDC5 gene. It is expected to result in an absent or disrupted protein product. Loss-of-function variants in DEPDC5 are known to be pathogenic (PMID: 23542697, 23542701). This variant is not present in population databases (gnomAD no frequency). This premature translational stop signal has been observed in individual(s) with epilepsy (PMID: 30093711). ClinVar contains an entry for this variant (Variation ID: 590901). For these reasons, this variant has been classified as Pathogenic.

Ambry Genetics
Classification: Pathogenic for Inborn genetic diseases. Last evaluated: 2024-08-28. Review status: criteria provided, single submitter. Criteria: Ambry Variant Classification Scheme 2023. Collection method: clinical testing. Allele origin: germline.
Comment: The c.2512C>T (p.R838*) alteration, located in exon 27 (coding exon 26) of the DEPDC5 gene, consists of a C to T substitution at nucleotide position 2512. This changes the amino acid from a arginine (R) to a stop codon at amino acid position 838. This alteration is expected to result in loss of function by premature protein truncation or nonsense-mediated mRNA decay. This variant was not reported in population-based cohorts in the Genome Aggregation Database (gnomAD). This variant was reported in multiple individuals with features consistent with familial focal epilepsy with variable foci (Liu, 2020; Baldassari, 2019). Based on the available evidence, this alteration is classified as pathogenic.

Blueprint Genetics
Classification: Pathogenic for DEPDC5-related disorders. Last evaluated: 2024-05-28. Review status: criteria provided, single submitter. Criteria: ACMG Guidelines, 2015. Collection method: clinical testing. Allele origin: germline. Affected: yes. Observed: 2 variant alleles.

GeneDx
Classification: Pathogenic. Last evaluated: 2023-01-24. Review status: criteria provided, single submitter. Criteria: GeneDx Variant Classification Process June 2021. Collection method: clinical testing. Allele origin: germline. Affected: yes.
Comment: Nonsense variant predicted to result in protein truncation or nonsense mediated decay in a gene for which loss-of-function is a known mechanism of disease; Not observed at significant frequency in large population cohorts (gnomAD); This variant is associated with the following publications: (PMID: 30093711, 32848577)

Cytogénomique, Hospices Civils de Lyon
Classification: Pathogenic. Last evaluated: 2022-12-16. Review status: criteria provided, single submitter. Criteria: ACMG Guidelines, 2015. Collection method: clinical testing. Allele origin: maternal. Affected: yes. Observed: 1 variant allele, 1 heterozygote.

Department of Genetics, Rouen University Hospital, Normandy Center for Genomic and Personalized Medicine
Classification: Pathogenic for Epilepsy, familial focal, with variable foci 1. Last evaluated: 2022-04-13. Review status: criteria provided, single submitter. Criteria: ACMG Guidelines, 2015. Collection method: clinical testing. Allele origin: paternal. Affected: yes.

CeGaT Center for Human Genetics Tuebingen
Classification: Pathogenic. Last evaluated: 2021-04-01. Review status: criteria provided, single submitter. Criteria: CeGaT Center For Human Genetics Tuebingen Variant Classification Criteria Version 2. Collection method: clinical testing. Allele origin: germline. Affected: yes. Observed: 1 variant allele.

Victorian Clinical Genetics Services, Murdoch Childrens Research Institute
Classification: Pathogenic for Epilepsy, familial focal, with variable foci 1. Last evaluated: 2019-08-28. Review status: criteria provided, single submitter. Criteria: ACMG Guidelines, 2015. Collection method: clinical testing. Allele origin: germline. Inheritance: Autosomal dominant inheritance. Affected: yes.
Comment: A heterozygous nonsense variant was identified, NM_001242896.2(DEPDC5):c.2512C>T in exon 27 of 43 of the DEPDC5 gene. This nonsense variant is predicted to create a change of arginine to a stop at amino acid position 838 of the protein, NP_001229825.1(DEPDC5):p.(Arg838*), resulting in the loss of normal protein function through nonsense-mediated decay (NMD). The variant is not present in the gnomAD population database. It has been previously reported in patients with Epilepsy, familial focal, with variable foci 1 (ClinVar, Baldassari, S. et al. (2019)). Other variants predicted to cause NMD have been reported as pathogenic in individuals with this condition (ClinVar). Based on information available at the time of curation, this variant has been classified as PATHOGENIC.

Equipe Genetique des Anomalies du Developpement, Université de Bourgogne
Classification: Pathogenic for Epilepsy, familial focal, with variable foci 1. Last evaluated: 2019-05-21. Review status: criteria provided, single submitter. Criteria: ACMG Guidelines, 2015. Collection method: clinical testing. Allele origin: paternal. Affected: yes.

Institute of Human Genetics, University of Leipzig Medical Center
Classification: Pathogenic for Epilepsy, familial focal, with variable foci 1. Last evaluated: 2019-01-01. Review status: criteria provided, single submitter. Criteria: ACMG Guidelines, 2015. Collection method: clinical testing. Allele origin: unknown. Affected: yes.

Clinical Molecular Genetics Laboratory, Johns Hopkins All Children's Hospital
Classification: Pathogenic for Epilepsy, familial focal, with variable foci 1. Last evaluated: 2018-11-12. Review status: criteria provided, single submitter. Criteria: ACMG Guidelines, 2015. Collection method: clinical testing. Allele origin: germline. Inheritance: Autosomal dominant inheritance. Affected: no. Observed: 1 heterozygote.
Comment: Variable penetrance is documented in the literature for this gene/condition.

Juno Genomics, Hangzhou Juno Genomics, Inc
Classification: Pathogenic for Epilepsy, familial focal, with variable foci 1. Review status: criteria provided, single submitter. Criteria: ACMG Guidelines, 2015. Collection method: clinical testing. Allele origin: germline. Affected: yes.
Comment: Absent from controls (or at extremely low frequency if recessive) in Genome Aggregation Database, Exome Sequencing Project, 1000 Genomes Project, or Exome Aggregation Consortium.;Null variant in a gene where loss of function (LOF) is a known mechanism of disease.;The prevalence of the variant in affected individuals is significantly increased compared to the prevalence in controls.

Genome Diagnostics Laboratory, University Medical Center Utrecht
Classification: Pathogenic. Review status: no assertion criteria provided. Collection method: clinical testing. Allele origin: germline. Affected: yes. Study: VKGL Data-share Consensus. Not counted in ClinVar's aggregate classification.

Joint Genome Diagnostic Labs from Nijmegen and Maastricht, Radboudumc and MUMC+
Classification: Pathogenic. Review status: no assertion criteria provided. Collection method: clinical testing. Allele origin: germline. Affected: yes. Study: VKGL Data-share Consensus. Not counted in ClinVar's aggregate classification.

Literature cited by the submitters: PubMed 23542697 (cited by Labcorp Genetics (formerly Invitae), Labcorp); PubMed 23542701 (cited by Labcorp Genetics (formerly Invitae), Labcorp); PubMed 30093711 (cited by Labcorp Genetics (formerly Invitae), Labcorp and Ambry Genetics); PubMed 32848577 (cited by Ambry Genetics).